The following is an entry in ClinVar:

NM_152281.3(GORAB):c.917G>A (p.Arg306His)

Gene: GORAB (golgin, RAB6 interacting; plus strand). Cytogenetic location: 1q24.2.
Variant type: single nucleotide variant.
Coding change: c.917G>A on transcript NM_152281.3 (MANE Select); coding-DNA position 917, G replaced by A.
Protein change: p.Arg306His; replaces arginine 306 with histidine.
Molecular consequence: missense variant. On other transcripts: non-coding transcript variant (1).
Genome position (GRCh38, 1-based): chr1:170,552,269, G>A. VCF-style: chr1-170552269-G-A. GRCh37 (hg19) VCF-style: chr1-170521410-G-A.
Other names: c.452G>A, p.Arg151His (NM_001320252.2); short protein forms R151H, R306H.
Identifiers: ClinVar variation 1358812 (VCV001358812.3), dbSNP rs577979326, ClinGen allele CA1239271.

ClinVar aggregate classification (germline): Uncertain significance (1 of 4 stars; one submission).

Allele frequency attached by ClinVar (database versions not stated): ExAC 0.00001; gnomAD exomes 0.00002; gnomAD 0.00004 and 0.00005; TOPMed 0.00004; 1000 Genomes Project 30x 0.00016; 1000 Genomes Project 0.00020.

Submission:

Labcorp Genetics (formerly Invitae), Labcorp
Classification: Uncertain significance. Last evaluated: 2022-07-08. Review status: criteria provided, single submitter. Criteria: Invitae Variant Classification Sherloc (09022015). Collection method: clinical testing. Allele origin: germline.
Comment: This sequence change replaces arginine, which is basic and polar, with histidine, which is basic and polar, at codon 331 of the GORAB protein (p.Arg331His). This variant is present in population databases (rs577979326, gnomAD 0.02%). This variant has not been reported in the literature in individuals affected with GORAB-related conditions. ClinVar contains an entry for this variant (Variation ID: 1358812). Algorithms developed to predict the effect of missense changes on protein structure and function output the following: SIFT: "Tolerated"; PolyPhen-2: "Benign"; Align-GVGD: "Class C0". The histidine amino acid residue is found in multiple mammalian species, which suggests that this missense change does not adversely affect protein function. In summary, the available evidence is currently insufficient to determine the role of this variant in disease. Therefore, it has been classified as a Variant of Uncertain Significance.